The following is an entry in ClinVar:

NM_001127222.2(CACNA1A):c.3989+1G>T

Genes: CACNA1A (calcium voltage-gated channel subunit alpha1 A; minus strand), LOC126862865 (CDK7 strongly-dependent group 2 enhancer GRCh37_chr19:13385818-13387017; plus strand). Cytogenetic location: 19p13.13.
Variant type: single nucleotide variant.
Coding change: c.3989+1G>T on transcript NM_001127222.2 (MANE Select); the canonical splice donor site of the intron after coding-DNA position 3989, G replaced by T.
Molecular consequence: splice donor variant.
Genome position (GRCh38, 1-based): chr19:13,275,849, C>A on the plus strand (G>T on the coding strand, the complement: CACNA1A is on the minus strand). VCF-style: chr19-13275849-C-A. GRCh37 (hg19) VCF-style: chr19-13386663-C-A.
Other names: c.3992+1G>T (NM_001127221.2, NM_001174080.2, NM_001127221.1); c.4001+1G>T (NM_000068.4, NM_023035.3).
Identifiers: ClinVar variation 1457947 (VCV001457947.7), dbSNP rs587776693, ClinGen allele CA404340126.
Genomic context (GRCh38, chr19:13,275,849, plus strand): 5'-TGTGGCCCAGGCTGGGGGTTGGGGGAAAAGAGGCAAGAGGAACCCTTGCGAGGAGACTTA[C>A]GTGAAGGCAAAGGCTACCAGGGCCCCACTGACCACTATGAAGTCGAGAATATTCCAGAGG-3'

ClinVar aggregate classification (germline): Pathogenic. Review status: criteria provided, multiple submitters, no conflicts (2 of 4 stars). 2 submissions from 2 submitters: Pathogenic (2). Last evaluated 2026-06-11.

Conditions:
Episodic ataxia type 2 (EA2). Also called: ACETAZOLAMIDE-RESPONSIVE HEREDITARY PAROXYSMAL CEREBELLAR ATAXIA; EPISODIC ATAXIA, NYSTAGMUS-ASSOCIATED; ATAXIA, EPISODIC, WITH NYSTAGMUS; ATAXIA, FAMILIAL PAROXYSMAL; CEREBELLAR ATAXIA, PAROXYSMAL, ACETAZOLAMIDE-RESPONSIVE; CEREBELLOPATHY, HEREDITARY PAROXYSMAL. Identifiers: Orphanet 97, MedGen C1720416, MONDO:0007163, OMIM 108500.
Developmental and epileptic encephalopathy, 42 (DEE42A). Also called: DEVELOPMENTAL AND EPILEPTIC ENCEPHALOPATHY 42A; EPILEPTIC ENCEPHALOPATHY, EARLY INFANTILE, 42A; Epileptic encephalopathy, early infantile, 42. Identifiers: MedGen C4310716, MONDO:0014917, OMIM 617106.
Inborn genetic diseases. Identifiers: MedGen C0950123, MeSH D030342.

Submissions (2):

Ambry Genetics
Classification: Pathogenic for Inborn genetic diseases. Last evaluated: 2026-06-11. Review status: criteria provided, single submitter. Criteria: Ambry Variant Classification Scheme 2023. Collection method: clinical testing. Allele origin: germline.
Comment: The c.3992+1G>T intronic variant consists of a G to T substitution one nucleotide after exon 24 (coding exon 24) of the CACNA1A gene. Variants that disrupt the canonical splice site are expected to cause aberrant splicing, resulting in an abnormal protein or a transcript that is subject to nonsense-mediated mRNA decay. for CACNA1A-related neurologic disorder; however, it is unlikely to be causative of CACNA1A-related spinocerebellar ataxia. This variant was not reported in population-based cohorts in the Genome Aggregation Database (gnomAD). Other variant(s) impacting the same donor site (c.3992+1G>A) have been shown to have a similar impact on splicing in individual(s) with features consistent with CACNA1A-related neurologic disorder (Ophoff, 1996; Magis, 2012;Tomlinson, 2016). This nucleotide position is highly conserved in available vertebrate species. In silico splice site analysis predicts that this alteration will weaken the native splice donor site and will result in the creation or strengthening of a novel splice donor site. Based on the available evidence, this alteration is classified as pathogenic.

Labcorp Genetics (formerly Invitae), Labcorp
Classification: Pathogenic for Developmental and epileptic encephalopathy, 42; Episodic ataxia type 2. Last evaluated: 2022-02-10. Review status: criteria provided, single submitter. Criteria: Invitae Variant Classification Sherloc (09022015). Collection method: clinical testing. Allele origin: germline.
Comment: This sequence change affects a donor splice site in intron 24 of the CACNA1A gene. It is expected to disrupt RNA splicing. Variants that disrupt the donor or acceptor splice site typically lead to a loss of protein function (PMID: 16199547), and loss-of-function variants in CACNA1A are known to be pathogenic (PMID: 10371528, 19486177, 25735478, 27250579). Algorithms developed to predict the effect of sequence changes on RNA splicing suggest that this variant may disrupt the consensus splice site. For these reasons, this variant has been classified as Pathogenic. Disruption of this splice site has been observed in individuals with episodic ataxia type 2 (PMID: 8898206, 22942164). This variant is not present in population databases (gnomAD no frequency).

Literature cited by the submitters: PubMed 8898206 (cited by Ambry Genetics and Labcorp Genetics (formerly Invitae), Labcorp); PubMed 22942164 (cited by Ambry Genetics and Labcorp Genetics (formerly Invitae), Labcorp); PubMed 26912519 (cited by Ambry Genetics); PubMed 16199547 (cited by Labcorp Genetics (formerly Invitae), Labcorp); PubMed 10371528 (cited by Labcorp Genetics (formerly Invitae), Labcorp); PubMed 19486177 (cited by Labcorp Genetics (formerly Invitae), Labcorp); PubMed 25735478 (cited by Labcorp Genetics (formerly Invitae), Labcorp); PubMed 27250579 (cited by Labcorp Genetics (formerly Invitae), Labcorp).